The following is an entry in ClinVar:

ClinVar aggregate classification (germline): Pathogenic (1 of 4 stars; one submission).

Conditions:
Cardiovascular phenotype. Identifiers: MedGen CN230736.
Hereditary cancer-predisposing syndrome. Also called: Tumor predisposition; Neoplastic Syndromes, Hereditary; Hereditary Cancer Syndrome; Hereditary neoplastic syndrome. Identifiers: Orphanet 140162, MedGen C0027672, MeSH D009386, MONDO:0015356.

Submission:

Ambry Genetics
Classification: Pathogenic for Cardiovascular phenotype; Hereditary cancer-predisposing syndrome. Last evaluated: 2025-02-19. Review status: criteria provided, single submitter. Criteria: Ambry Variant Classification Scheme 2023. Collection method: clinical testing. Allele origin: germline.
Comment: The c.5069_5070dupGT (p.P1691Vfs*9) alteration, located in exon 36 (coding exon 36) of the NF1 gene, consists of a duplication of GT at position 5069, causing a translational frameshift with a predicted alternate stop codon after 9 amino acids. This alteration is expected to result in loss of function by premature protein truncation or nonsense-mediated mRNA decay. This variant was not reported in population-based cohorts in the Genome Aggregation Database (gnomAD). Based on the available evidence, this alteration is classified as pathogenic.

NM_001042492.3(NF1):c.5132_5133dup (p.Pro1712fs)

Gene: NF1 (neurofibromin 1; plus strand). Cytogenetic location: 17q11.2.
Variant type: Duplication.
Coding change: c.5132_5133dup on transcript NM_001042492.3 (MANE Select); coding-DNA positions 5132 to 5133, 2 bases duplicated (GT; older notation c.5132_5133dupGT).
Protein change: p.Pro1712fs; shifts the reading frame from proline 1712.
Molecular consequence: frameshift variant.
Genome position (GRCh38, 1-based): chr17:31,326,116-31,326,117, GT duplicated; duplicating any 2 consecutive bases within chr17:31,326,115-31,326,117 gives the same sequence; the c. name uses the placement nearest the transcript's 3' end. VCF-style (leftmost placement, unchanged base first): chr17-31326114-C-CTG. GRCh37 (hg19) VCF-style: chr17-29653132-C-CTG.
Other names: c.5069_5070dup, p.Pro1691Valfs (NM_000267.4); c.5069_5070dupGT (NM_000267.3); short protein forms P1691fs, P1712fs.
Identifiers: ClinVar variation 3879157 (VCV003879157.1).